The following is an entry in ClinVar:

NM_024301.5(FKRP):c.1022G>A (p.Trp341Ter)

Gene: FKRP (fukutin related protein; plus strand). Cytogenetic location: 19q13.32.
Variant type: single nucleotide variant.
Coding change: c.1022G>A on transcript NM_024301.5 (MANE Select); coding-DNA position 1022, G replaced by A.
Protein change: p.Trp341Ter; replaces tryptophan 341 with a stop codon.
Molecular consequence: nonsense.
Genome position (GRCh38, 1-based): chr19:46,756,472, G>A. VCF-style: chr19-46756472-G-A. GRCh37 (hg19) VCF-style: chr19-47259729-G-A.
Other names: c.1022G>A (NM_024301.4); c.1022G>A, p.Trp341Ter (NM_001039885.3); short protein forms W341*.
Identifiers: ClinVar variation 2675702 (VCV002675702.2), dbSNP rs2054927620, ClinGen allele CA406496488.

ClinVar aggregate classification (germline): Likely pathogenic. Review status: criteria provided, multiple submitters, no conflicts (2 of 4 stars). 2 submissions from 2 submitters: Likely pathogenic (2). Last evaluated 2025-08-12.

Conditions:
Autosomal recessive limb-girdle muscular dystrophy type 2I. Also called: MUSCULAR DYSTROPHY-DYSTROGLYCANOPATHY (LIMB-GIRDLE), TYPE C, 5; MUSCULAR DYSTROPHY-DYSTROGLYCANOPATHY, LIMB-GIRDLE, FRKP-RELATED; MUSCULAR DYSTROPHY, LIMB-GIRDLE, TYPE 2I. Identifiers: Orphanet 34515, MedGen C1846672, MONDO:0011787, OMIM 607155.
Muscular dystrophy-dystroglycanopathy (congenital with brain and eye anomalies), type A5. Also called: MUSCULAR DYSTROPHY-DYSTROGLYCANOPATHY (CONGENITAL WITH BRAIN AND EYE ANOMALIES), TYPE A, 5; WALKER-WARBURG SYNDROME OR MUSCLE-EYE-BRAIN DISEASE, FKRP-RELATED. Identifiers: Orphanet 588, Orphanet 899, MedGen C3150413, MONDO:0013157, OMIM 613153.

Allele frequency attached by ClinVar (database versions not stated): TOPMed below 0.00001.

Submissions (2):

Natera, Inc.
Classification: Likely pathogenic for Limb-girdle muscular dystrophy type 2I. Last evaluated: 2025-08-12. Review status: criteria provided, single submitter. Criteria: Natera Variant Classification Schema (03/2026). Collection method: clinical testing. Allele origin: germline.
Comment: The c.1022G>A variant in FKRP is a nonsense variant predicted to introduce a stop codon at amino acid 341. This variant is expected to result in nonsense mediated decay, truncation, or a dysfunctional protein product. This variant is rare in the general population with a frequency below the threshold expected for the associated phenotype(s). Given the available evidence, this variant is classified as Likely Pathogenic.

Baylor Genetics
Classification: Likely pathogenic for Muscular dystrophy-dystroglycanopathy (congenital with brain and eye anomalies), type A5. Last evaluated: 2023-05-18. Review status: criteria provided, single submitter. Criteria: ACMG Guidelines, 2015. Collection method: clinical testing. Allele origin: unknown.